The following is an entry in ClinVar:

NM_002834.5(PTPN11):c.1726A>C (p.Ser576Arg)

Gene: PTPN11 (protein tyrosine phosphatase non-receptor type 11; plus strand). Cytogenetic location: 12q24.13.
Variant type: single nucleotide variant.
Coding change: c.1726A>C on transcript NM_002834.5 (MANE Select); coding-DNA position 1726, A replaced by C.
Protein change: p.Ser576Arg; replaces serine 576 with arginine.
Molecular consequence: missense variant.
Genome position (GRCh38, 1-based): chr12:112,504,708, A>C. VCF-style: chr12-112504708-A-C. GRCh37 (hg19) VCF-style: chr12-112942512-A-C.
Other names: c.1738A>C, p.Ser580Arg (NM_001330437.2); c.1723A>C, p.Ser575Arg (NM_001374625.1); short protein forms S576R, S580R, S575R.
Identifiers: ClinVar variation 4614788 (VCV004614788.1).

ClinVar aggregate classification (germline): Uncertain significance (1 of 4 stars; one submission).

Conditions:
Cardiovascular phenotype. Identifiers: MedGen CN230736.

gnomAD v4.1: 4 of 1,582,996 alleles (0.00025%); highest among the groups gnomAD compares: Non-Finnish European, 0.00035%; no homozygotes.

Submission:

Ambry Genetics
Classification: Uncertain significance for Cardiovascular phenotype. Last evaluated: 2025-11-26. Review status: criteria provided, single submitter. Criteria: Ambry Variant Classification Scheme 2023. Collection method: clinical testing. Allele origin: germline.
Comment: The p.S576R variant (also known as c.1726A>C), located in coding exon 15 of the PTPN11 gene, results from an A to C substitution at nucleotide position 1726. The serine at codon 576 is replaced by arginine, an amino acid with dissimilar properties. This amino acid position is conserved. In addition, this alteration is predicted to be tolerated by in silico analysis. Based on the available evidence, the clinical significance of this variant remains unclear.